The following is an entry in ClinVar:

NM_000180.4(GUCY2D):c.2523GCTGGA[3] (p.Glu845_Lys846insLeuGlu)

Gene: GUCY2D (guanylate cyclase 2D, retinal; plus strand). Cytogenetic location: 17p13.1.
Variant type: Microsatellite.
Coding change: c.2523GCTGGA[3] on transcript NM_000180.4 (MANE Select); three copies in a row of the 6-base unit GCTGGA starting at c.2523; the reference has two copies in a row; one copy, 6 bases duplicated.
Protein change: p.Glu845_Lys846insLeuGlu.
Molecular consequence: inframe insertion.
Genome position (GRCh38, 1-based): chr17:8,014,717-8,014,722, GCTGGA duplicated; duplicating any 6 consecutive bases within chr17:8,014,708-8,014,722 gives the same sequence; the position shown is the placement nearest the transcript's 3' end. VCF-style (leftmost placement, unchanged base first): chr17-8014707-A-AGGAGCT. GRCh37 (hg19) VCF-style: chr17-7918025-A-AGGAGCT.
Identifiers: ClinVar variation 2023473 (VCV002023473.4), dbSNP rs2545426048, ClinGen allele CA2580614003.

ClinVar aggregate classification (germline): Uncertain significance (1 of 4 stars; one submission).

Conditions:
Leber congenital amaurosis 1 (LCA1). Also called: Congenital absence of the rods and cones; Leber's congenital tapetoretinal degeneration; Leber's congenital tapetoretinal dysplasia; RETINAL BLINDNESS, CONGENITAL; AMAUROSIS CONGENITA OF LEBER I. Identifiers: Orphanet 65, MedGen C2931258, MONDO:0008764, OMIM 204000.
Cone-rod dystrophy 6 (CORD6). Also called: RETINAL CONE DYSTROPHY 2; Cone dystrophy progressive. Identifiers: Orphanet 1872, MedGen C1866293, MONDO:0011143, OMIM 601777.

Submission:

Labcorp Genetics (formerly Invitae), Labcorp
Classification: Uncertain significance for Leber congenital amaurosis 1; Cone-rod dystrophy 6. Last evaluated: 2022-08-10. Review status: criteria provided, single submitter. Criteria: Invitae Variant Classification Sherloc (09022015). Collection method: clinical testing. Allele origin: germline.
Comment: This variant, c.2529_2534dup, results in the insertion of 2 amino acid(s) of the GUCY2D protein (p.Leu844_Glu845dup), but otherwise preserves the integrity of the reading frame. In summary, the available evidence is currently insufficient to determine the role of this variant in disease. Therefore, it has been classified as a Variant of Uncertain Significance. This variant has not been reported in the literature in individuals affected with GUCY2D-related conditions. This variant is not present in population databases (gnomAD no frequency).